The following is an entry in ClinVar:

ClinVar aggregate classification (germline): Uncertain significance. Review status: criteria provided, multiple submitters, no conflicts (2 of 4 stars). 2 submissions from 2 submitters: Uncertain significance (2). Last evaluated 2022-07-05.

Conditions:
Inborn genetic diseases. Identifiers: MedGen C0950123, MeSH D030342.

Allele frequency attached by ClinVar (database versions not stated): gnomAD exomes below 0.00001; gnomAD 0.00003; TOPMed 0.00005.
gnomAD v4.1: 7 of 1,367,648 alleles (0.00051%); highest among the groups gnomAD compares: African/African-American, 0.0076%; no homozygotes.

Submissions (2):

Labcorp Genetics (formerly Invitae), Labcorp
Classification: Uncertain significance. Last evaluated: 2022-07-05. Review status: criteria provided, single submitter. Criteria: Invitae Variant Classification Sherloc (09022015). Collection method: clinical testing. Allele origin: germline.
Comment: This sequence change replaces arginine, which is basic and polar, with tryptophan, which is neutral and slightly polar, at codon 37 of the TK2 protein (p.Arg37Trp). The frequency data for this variant in the population databases is considered unreliable, as metrics indicate poor data quality at this position in the gnomAD database. This variant has not been reported in the literature in individuals affected with TK2-related conditions. ClinVar contains an entry for this variant (Variation ID: 1484273). Advanced modeling of protein sequence and biophysical properties (such as structural, functional, and spatial information, amino acid conservation, physicochemical variation, residue mobility, and thermodynamic stability) performed at Invitae indicates that this missense variant is not expected to disrupt TK2 protein function. In summary, the available evidence is currently insufficient to determine the role of this variant in disease. Therefore, it has been classified as a Variant of Uncertain Significance.

Ambry Genetics
Classification: Uncertain significance for Inborn genetic diseases. Last evaluated: 2021-06-30. Review status: criteria provided, single submitter. Criteria: Ambry Variant Classification Scheme 2023. Collection method: clinical testing. Allele origin: germline.

NM_004614.5(TK2):c.109C>T (p.Arg37Trp)

Genes: TK2 (thymidine kinase 2; minus strand), LOC130059156 (ATAC-STARR-seq lymphoblastoid silent region 7560; plus strand). Cytogenetic location: 16q21.
Variant type: single nucleotide variant.
Coding change: c.109C>T on transcript NM_004614.5 (MANE Select); coding-DNA position 109, C replaced by T.
Protein change: p.Arg37Trp; replaces arginine 37 with tryptophan.
Molecular consequence: missense variant. On other transcripts: 5 prime UTR variant (2), non-coding transcript variant (1), intron variant (2).
Genome position (GRCh38, 1-based): chr16:66,549,953, G>A on the plus strand (C>T on the coding strand, the complement: TK2 is on the minus strand). VCF-style: chr16-66549953-G-A. GRCh37 (hg19) VCF-style: chr16-66583856-G-A.
Other names: c.109C>T, p.Arg37Trp (NM_001172644.2, NM_001172645.2); c.-134C>T (NM_001271934.2); c.-544C>T (NM_001272050.2); c.31+300C>T (NM_001271935.1, NM_001172643.1); c.109C>T (NM_004614.4); short protein forms R37W.
Identifiers: ClinVar variation 1484273 (VCV001484273.4), dbSNP rs1261856762, ClinGen allele CA396193478.